The following is an entry in ClinVar:

ClinVar aggregate classification (germline): Uncertain significance (1 of 4 stars; one submission).

Submission:

GeneDx
Classification: Uncertain significance. Last evaluated: 2026-04-11. Review status: criteria provided, single submitter. Criteria: GeneDx Variant Classification Process June 2021. Collection method: clinical testing. Allele origin: germline.
Comment: Not observed at significant frequency in large population cohorts (gnomAD); In silico analysis supports that this missense variant has a deleterious effect on protein structure/function; Has not been previously published as pathogenic or benign to our knowledge

NM_002474.3(MYH11):c.4857G>T (p.Lys1619Asn)

Genes: MYH11 (myosin heavy chain 11; minus strand), NDE1 (nudE neurodevelopment protein 1; plus strand). Cytogenetic location: 16p13.11.
Variant type: single nucleotide variant.
Coding change: c.4857G>T on transcript NM_002474.3 (MANE Select); coding-DNA position 4857, G replaced by T.
Protein change: p.Lys1619Asn; replaces lysine 1619 with asparagine.
Molecular consequence: missense variant. On other transcripts: intron variant (2).
Genome position (GRCh38, 1-based): chr16:15,720,247, C>A on the plus strand (G>T on the coding strand, the complement: MYH11 is on the minus strand). VCF-style: chr16-15720247-C-A. GRCh37 (hg19) VCF-style: chr16-15814104-C-A.
Other names: c.4878G>T, p.Lys1626Asn (NM_001040113.2, NM_001040114.2); c.4857G>T, p.Lys1619Asn (NM_022844.3); c.948-3944C>A (NM_001143979.2, NM_017668.3); short protein forms K1619N, K1626N.
Identifiers: ClinVar variation 5018186 (VCV005018186.1).